The following is an entry in ClinVar:

NM_001324418.2(ADAM22):c.607+5G>A

Gene: ADAM22 (ADAM metallopeptidase domain 22; plus strand). Cytogenetic location: 7q21.12.
Variant type: single nucleotide variant.
Coding change: c.607+5G>A on transcript NM_001324418.2 (MANE Select); 5 bases into the intron after coding-DNA position 607, G replaced by A.
Molecular consequence: intron variant.
Genome position (GRCh38, 1-based): chr7:88,116,819, G>A. VCF-style: chr7-88116819-G-A. GRCh37 (hg19) VCF-style: chr7-87746134-G-A.
Other names: c.658+5G>A (NM_001391975.1, NM_001391980.1, NM_001391982.1); c.607+5G>A (NM_001324420.2, NM_001391976.1, NM_021723.5 and 6 more transcripts); c.604+5G>A (NM_001324419.2, NM_001391979.1, NM_001391978.1 and 2 more transcripts).
Identifiers: ClinVar variation 3389920 (VCV003389920.14).

ClinVar aggregate classification (germline): Uncertain significance (1 of 4 stars; one submission).

Submission:

CeGaT Center for Human Genetics Tuebingen
Classification: Uncertain significance. Last evaluated: 2024-10-01. Review status: criteria provided, single submitter. Criteria: CeGaT Center For Human Genetics Tuebingen Variant Classification Criteria Version 2. Collection method: clinical testing. Allele origin: germline. Affected: yes. Observed: 1 variant allele.
Comment: ADAM22: PM2, BP4